The following is an entry in ClinVar:

ClinVar aggregate classification (germline): Conflicting classifications of pathogenicity. Review status: criteria provided, conflicting classifications (1 of 4 stars). 4 submissions from 4 submitters: Uncertain significance (2); Likely benign (2). Last evaluated 2025-12-15.

Conditions:
Hereditary cancer-predisposing syndrome. Also called: Neoplastic Syndromes, Hereditary; Tumor predisposition; Hereditary neoplastic syndrome; Hereditary Cancer Syndrome. Identifiers: Orphanet 140162, MedGen C0027672, MeSH D009386, MONDO:0015356.
Familial adenomatous polyposis 1 (FAP1). Also called: POLYPOSIS, ADENOMATOUS INTESTINAL; FAMILIAL ADENOMATOUS POLYPOSIS 1, ATTENUATED. Identifiers: MedGen C2713442, MONDO:0021056, OMIM 175100. Disease mechanism: loss of function.

Allele frequency attached by ClinVar (database versions not stated): gnomAD 0.00001; gnomAD exomes 0.00002 and 0.00003; ExAC 0.00004; 1000 Genomes Project 30x 0.00031; 1000 Genomes Project 0.00040.
gnomAD v4.1: 25 of 1,614,062 alleles (0.0015%); highest among the groups gnomAD compares: South Asian, 0.027%; no homozygotes.

Submissions (4):

Labcorp Genetics (formerly Invitae), Labcorp
Classification: Uncertain significance for Familial adenomatous polyposis 1. Last evaluated: 2025-12-15. Review status: criteria provided, single submitter. Criteria: Invitae Variant Classification Sherloc (09022015). Collection method: clinical testing. Allele origin: germline.
Comment: This sequence change replaces alanine, which is neutral and non-polar, with proline, which is neutral and non-polar, at codon 735 of the APC protein (p.Ala735Pro). This variant is present in population databases (rs559313229, gnomAD 0.03%). This variant has not been reported in the literature in individuals affected with APC-related conditions. ClinVar contains an entry for this variant (Variation ID: 630115). Invitae Evidence Modeling of protein sequence and biophysical properties (such as structural, functional, and spatial information, amino acid conservation, physicochemical variation, residue mobility, and thermodynamic stability) indicates that this missense variant is not expected to disrupt APC protein function with a negative predictive value of 95%. In summary, the available evidence is currently insufficient to determine the role of this variant in disease. Therefore, it has been classified as a Variant of Uncertain Significance.

Myriad Genetics, Inc.
Classification: Likely benign for Familial adenomatous polyposis 1. Last evaluated: 2025-01-29. Review status: criteria provided, single submitter. Criteria: Myriad Autosomal Dominant, Autosomal Recessive and X-Linked Classification Criteria (2023). Collection method: clinical testing. Allele origin: unknown.
Comment: This variant is considered likely benign. This variant has been observed at a population frequency that is significantly greater than expected given the associated disease prevalence and penetrance.

Color Diagnostics, LLC DBA Color Health
Classification: Uncertain significance for Hereditary cancer-predisposing syndrome. Last evaluated: 2024-03-06. Review status: criteria provided, single submitter. Criteria: ACMG Guidelines, 2015. Collection method: clinical testing. Allele origin: germline.
Comment: This missense variant replaces alanine with proline at codon 735 of the APC protein. Computational prediction suggests that this variant may not impact protein structure and function (internally defined REVEL score threshold <= 0.5, PMID: 27666373). To our knowledge, functional studies have not been reported for this variant. This variant has not been reported in individuals affected with APC-related disorders in the literature. This variant has been identified in 8/250016 chromosomes in the general population by the Genome Aggregation Database (gnomAD). The available evidence is insufficient to determine the role of this variant in disease conclusively. Therefore, this variant is classified as a Variant of Uncertain Significance.

Ambry Genetics
Classification: Likely benign for Hereditary cancer-predisposing syndrome. Last evaluated: 2019-06-28. Review status: criteria provided, single submitter. Criteria: Ambry Variant Classification Scheme 2023. Collection method: clinical testing. Allele origin: germline.

NM_000038.6(APC):c.2203G>C (p.Ala735Pro)

Gene: APC (APC regulator of Wnt signaling pathway; plus strand). Cytogenetic location: 5q22.2.
Variant type: single nucleotide variant.
Coding change: c.2203G>C on transcript NM_000038.6 (MANE Select); coding-DNA position 2203, G replaced by C.
Protein change: p.Ala735Pro; replaces alanine 735 with proline.
Molecular consequence: missense variant.
Genome position (GRCh38, 1-based): chr5:112,837,797, G>C. VCF-style: chr5-112837797-G-C. GRCh37 (hg19) VCF-style: chr5-112173494-G-C.
Other names: c.2203G>C, p.Ala735Pro (NM_001127510.3, NM_001354895.2); c.2149G>C, p.Ala717Pro (NM_001127511.3); c.2257G>C, p.Ala753Pro (NM_001354896.2); c.2233G>C, p.Ala745Pro (NM_001354897.2); c.2128G>C, p.Ala710Pro (NM_001354898.2); c.2119G>C, p.Ala707Pro (NM_001354899.2); c.2080G>C, p.Ala694Pro (NM_001354900.2); c.2026G>C, p.Ala676Pro (NM_001354901.2); and 5 more; short protein forms A717P, A735P, A609P, A676P, A694P, A745P, A707P, A452P.
Identifiers: ClinVar variation 630115 (VCV000630115.18), dbSNP rs559313229, ClinGen allele CA031092.
Genomic context (GRCh38, chr5:112,837,797, plus strand): 5'-CACAAAATGATTGCTATGGGAAGTGCTGCAGCTTTAAGGAATCTCATGGCAAATAGGCCT[G>C]CGAAGTACAAGGATGCCAATATTATGTCTCCTGGCTCAAGCTTGCCATCTCTTCATGTTA-3'
Protein context (NP_000029.2, residues 725-745): ALRNLMANRP[Ala735Pro]KYKDANIMSP